The following is an entry in ClinVar:

NM_001172509.2(SATB2):c.598-13dup

Gene: SATB2 (SATB homeobox 2; minus strand). Cytogenetic location: 2q33.1.
Variant type: Duplication.
Coding change: c.598-13dup on transcript NM_001172509.2 (MANE Select); 13 bases into the intron before coding-DNA position 598, one base duplicated (T; older notation c.598-13dupT).
Molecular consequence: intron variant.
Genome position (GRCh38, 1-based): chr2:199,368,711, A duplicated on the plus strand (T on the coding strand, the reverse complement: SATB2 is on the minus strand); the first of 10 consecutive A bases (chr2:199,368,711-199,368,720); duplicating any one gives the same sequence. VCF-style (leftmost placement, unchanged base first): chr2-199368710-G-GA. GRCh37 (hg19) VCF-style: chr2-200233433-G-GA.
Other names: p.?; c.598-4dup (NM_015265.4); c.598-13dup (NM_001172517.1, NM_015265.4); c.598-4dupT (NM_015265.3).
Identifiers: ClinVar variation 469562 (VCV000469562.13), dbSNP rs199978702, ClinGen allele CA2046036.

ClinVar aggregate classification (germline): Benign. Review status: criteria provided, multiple submitters, no conflicts (2 of 4 stars). 2 submissions from 2 submitters: Benign (2). Last evaluated 2026-01-19.

Conditions:
Chromosome 2q32-q33 deletion syndrome (GLASS). Also called: Glass syndrome; 2q33.1 deletion syndrome. Identifiers: Orphanet 251019, MedGen C2676739, MONDO:0012864, OMIM 612313.

Submissions (2):

Labcorp Genetics (formerly Invitae), Labcorp
Classification: Benign for Chromosome 2q32-q33 deletion syndrome. Last evaluated: 2026-01-19. Review status: criteria provided, single submitter. Criteria: Invitae Variant Classification Sherloc (09022015). Collection method: clinical testing. Allele origin: germline.

Mayo Clinic Laboratories, Mayo Clinic
Classification: Benign. Last evaluated: 2024-11-07. Review status: criteria provided, single submitter. Criteria: ACMG Guidelines, 2015. Collection method: clinical testing. Allele origin: germline. Observed: 1 variant allele.
Comment: BS1, BS2, BP4, BP7